The following is an entry in ClinVar:

NM_000540.3(RYR1):c.297G>A (p.Thr99=)

Gene: RYR1 (ryanodine receptor 1; plus strand). Cytogenetic location: 19q13.2.
Variant type: single nucleotide variant.
Coding change: c.297G>A on transcript NM_000540.3 (MANE Select); coding-DNA position 297, G replaced by A.
Protein change: p.Thr99=; no amino-acid change (threonine 99 retained).
Molecular consequence: synonymous variant.
Genome position (GRCh38, 1-based): chr19:38,443,584, G>A. VCF-style: chr19-38443584-G-A. GRCh37 (hg19) VCF-style: chr19-38934224-G-A.
Other names: p.Thr99=; c.297G>A, p.Thr99= (NM_001042723.2).
Identifiers: ClinVar variation 227056 (VCV000227056.29), dbSNP rs144241486, ClinGen allele CA064277.

ClinVar aggregate classification (germline): Benign/Likely benign. Review status: criteria provided, multiple submitters, no conflicts (2 of 4 stars). 11 submissions from 11 submitters: Benign (4); Likely benign (7). Last evaluated 2026-01-26.

Conditions:
RYR1-related disorder. Also called: RYR1-related condition; RYR1-related disorders. Identifiers: MedGen CN239331.
King Denborough syndrome (KDS). Identifiers: MedGen C1840365, MONDO:0020485, OMIM 619542.
Congenital myopathy with fiber type disproportion. Also called: Congenital fiber-type disproportion myopathy; Congenital fiber-type disproportion. Identifiers: Orphanet 2020, MedGen C0546264, MONDO:0009711. Inheritance: all.
Malignant hyperthermia, susceptibility to, 1 (MHS1). Also called: RYR1-Related Malignant Hyperthermia Susceptibility; Malignant hyperthermia suceptibility 1; Anesthesia related hyperthermia; Malignant hyperpyrexia; Fulminating hyperpyrexia; Pharmacogenic myopathy. Identifiers: Orphanet 423, MedGen C2930980, MONDO:0007783, OMIM 145600.
Central core myopathy (CMYO1A). Also called: Central core disease; Myopathy, central fibrillar; CONGENITAL MYOPATHY 1A, AUTOSOMAL DOMINANT, WITH SUSCEPTIBILITY TO MALIGNANT HYPERTHERMIA. Identifiers: Orphanet 597, MedGen C5830701, MONDO:0007294, OMIM 117000.
Congenital multicore myopathy with external ophthalmoplegia (CMYO1B). Also called: MULTICORE MYOPATHY; Minicore myopathy with external ophthalmoplegia; Congenital myopathy 1B, autosomal recessive; Minicore myopathy; MULTIMINICORE DISEASE WITH EXTERNAL OPHTHALMOPLEGIA. Identifiers: Orphanet 598, Orphanet 98905, MedGen C1850674, MONDO:0009712, OMIM 255320, HP:0003789.

Allele frequency attached by ClinVar (database versions not stated): ExAC 0.00051; 1000 Genomes Project 30x 0.00078; 1000 Genomes Project 0.00080; gnomAD 0.00172 and 0.00186; TOPMed 0.00182; ESP Exome Variant Server 0.00215.
gnomAD v4.1: 490 of 1,614,098 alleles (0.03%); highest among the groups gnomAD compares: African/African-American, 0.61%; 3 homozygotes.

Submissions (11):

Labcorp Genetics (formerly Invitae), Labcorp
Classification: Benign for RYR1-related disorder. Last evaluated: 2026-01-26. Review status: criteria provided, single submitter. Criteria: Invitae Variant Classification Sherloc (09022015). Collection method: clinical testing. Allele origin: germline.

CeGaT Center for Human Genetics Tuebingen
Classification: Likely benign. Last evaluated: 2026-01-01. Review status: criteria provided, single submitter. Criteria: CeGaT Center For Human Genetics Tuebingen Variant Classification Criteria Version 2. Collection method: clinical testing. Allele origin: germline. Affected: yes. Observed: 1 variant allele.
Comment: RYR1: BP4, BP7

Mayo Clinic Laboratories, Mayo Clinic
Classification: Likely benign. Last evaluated: 2025-03-01. Review status: criteria provided, single submitter. Criteria: ACMG Guidelines, 2015. Collection method: clinical testing. Allele origin: germline. Observed: 2 variant alleles.
Comment: BS1, BP4, BP7

Blueprint Genetics
Classification: Likely benign. Last evaluated: 2024-08-28. Review status: criteria provided, single submitter. Criteria: ACMG Guidelines, 2015. Collection method: clinical testing. Allele origin: germline.

Color Diagnostics, LLC DBA Color Health
Classification: Benign for Malignant hyperthermia, susceptibility to, 1. Last evaluated: 2022-11-06. Review status: criteria provided, single submitter. Criteria: ACMG Guidelines, 2015. Collection method: clinical testing. Allele origin: germline.

Fulgent Genetics
Classification: Likely benign for Central core myopathy; Malignant hyperthermia, susceptibility to, 1; Congenital myopathy 4A, autosomal dominant; Congenital multicore myopathy with external ophthalmoplegia; King Denborough syndrome. Last evaluated: 2021-08-18. Review status: criteria provided, single submitter. Criteria: ACMG Guidelines, 2015. Collection method: clinical testing. Allele origin: unknown.

GeneDx
Classification: Likely benign. Last evaluated: 2017-11-27. Review status: criteria provided, single submitter. Criteria: GeneDx Variant Classification (06012015). Collection method: clinical testing. Allele origin: germline. Affected: yes.
Comment: This variant is considered likely benign or benign based on one or more of the following criteria: it is a conservative change, it occurs at a poorly conserved position in the protein, it is predicted to be benign by multiple in silico algorithms, and/or has population frequency not consistent with disease.

Eurofins Ntd Llc (ga)
Classification: Likely benign. Last evaluated: 2017-11-10. Review status: criteria provided, single submitter. Criteria: EGL Classification Definitions 2015. Collection method: clinical testing. Allele origin: germline. Observed: 1 variant allele, 1 heterozygote.

Athena Diagnostics
Classification: Benign. Last evaluated: 2017-06-06. Review status: criteria provided, single submitter. Criteria: Athena Diagnostics Criteria. Collection method: clinical testing. Allele origin: germline.

Laboratory for Molecular Medicine, Mass General Brigham Personalized Medicine
Classification: Benign. Last evaluated: 2014-11-24. Review status: criteria provided, single submitter. Criteria: LMM Criteria. Collection method: clinical testing. Allele origin: germline. Observed: 1 variant allele.
Comment: Thr99Thr in exon 4 of RYR1: This variant is not expected to have clinical signif icance because it does not alter an amino acid residue and is not located within the splice consensus sequence. It has been identified in 0.6% (27/4406) of Afri can American chromosomes from a broad population by the NHLBI Exome Sequencing P roject (dbSNP rs144241486).

PreventionGenetics, part of Exact Sciences
Classification: Likely benign. Review status: criteria provided, single submitter. Criteria: ACMG Guidelines, 2015. Collection method: clinical testing. Allele origin: germline.